The following is an entry in ClinVar:

ClinVar aggregate classification (germline): Uncertain significance (1 of 4 stars; one submission).

Conditions:
DK1-congenital disorder of glycosylation. Also called: CDG Im; DOLK-congenital disorder of glycosylation; Carbohydrate deficient glycoprotein syndrome type 1m; DK1 DEFICIENCY; DOLICHOL KINASE DEFICIENCY; DK1-CDG. Identifiers: Orphanet 91131, MedGen C1835849, MONDO:0012556, OMIM 610768.

Allele frequency attached by ClinVar (database versions not stated): gnomAD exomes below 0.00001.

Submission:

Labcorp Genetics (formerly Invitae), Labcorp
Classification: Uncertain significance for DK1-congenital disorder of glycosylation. Last evaluated: 2025-05-05. Review status: criteria provided, single submitter. Criteria: Invitae Variant Classification Sherloc (09022015). Collection method: clinical testing. Allele origin: germline.
Comment: This sequence change replaces threonine, which is neutral and polar, with proline, which is neutral and non-polar, at codon 37 of the DOLK protein (p.Thr37Pro). This variant is not present in population databases (gnomAD no frequency). This variant has not been reported in the literature in individuals affected with DOLK-related conditions. ClinVar contains an entry for this variant (Variation ID: 2194369). An algorithm developed to predict the effect of missense changes on protein structure and function (PolyPhen-2) suggests that this variant is likely to be tolerated. In summary, the available evidence is currently insufficient to determine the role of this variant in disease. Therefore, it has been classified as a Variant of Uncertain Significance.

NM_014908.4(DOLK):c.109A>C (p.Thr37Pro)

Gene: DOLK (dolichol kinase; minus strand). Cytogenetic location: 9q34.11.
Variant type: single nucleotide variant.
Coding change: c.109A>C on transcript NM_014908.4 (MANE Select); coding-DNA position 109, A replaced by C.
Protein change: p.Thr37Pro; replaces threonine 37 with proline.
Molecular consequence: missense variant.
Genome position (GRCh38, 1-based): chr9:128,947,195, T>G on the plus strand (A>C on the coding strand, the complement: DOLK is on the minus strand). VCF-style: chr9-128947195-T-G. GRCh37 (hg19) VCF-style: chr9-131709474-T-G.
Other names: short protein forms T37P.
Identifiers: ClinVar variation 2194369 (VCV002194369.4), dbSNP rs2492005875, ClinGen allele CA375128426.
Genomic context (GRCh38, chr9:128,947,195, plus strand): 5'-GGACGTAGAAGGCCTGCACTGCGAGGGCCACGGCGCACCACGAGTATCGGTCCCATACGG[T>G]TGCGTGGATGCTCAGCACCACTGCAAACACTACTGCCGCCTCTGCCAGCACCGATCCACT-3'
Protein context (NP_055723.1, residues 27-47): VFAVVLSIHA[Thr37Pro]VWDRYSWCAV